The following is an entry in ClinVar:

NM_016169.4(SUFU):c.714G>A (p.Met238Ile)

Gene: SUFU (SUFU negative regulator of hedgehog signaling; plus strand). Cytogenetic location: 10q24.32.
Variant type: single nucleotide variant.
Coding change: c.714G>A on transcript NM_016169.4 (MANE Select); coding-DNA position 714, G replaced by A.
Protein change: p.Met238Ile; replaces methionine 238 with isoleucine.
Molecular consequence: missense variant.
Genome position (GRCh38, 1-based): chr10:102,594,023, G>A. VCF-style: chr10-102594023-G-A. GRCh37 (hg19) VCF-style: chr10-104353780-G-A.
Other names: c.714G>A, p.Met238Ile (NM_001178133.2); short protein forms M238I.
Identifiers: ClinVar variation 1757383 (VCV001757383.8), dbSNP rs1163154516, ClinGen allele CA377909800.

ClinVar aggregate classification (germline): Uncertain significance. Review status: criteria provided, multiple submitters, no conflicts (2 of 4 stars). 2 submissions from 2 submitters: Uncertain significance (2). Last evaluated 2025-08-04.

Conditions:
Hereditary cancer-predisposing syndrome. Also called: Neoplastic Syndromes, Hereditary; Tumor predisposition; Hereditary neoplastic syndrome; Hereditary Cancer Syndrome. Identifiers: Orphanet 140162, MedGen C0027672, MeSH D009386, MONDO:0015356.
Medulloblastoma (MDB). Also called: MEDULLOBLASTOMA PREDISPOSITION SYNDROME; Medulloblastoma, somatic. Identifiers: Orphanet 616, MedGen C0025149, MeSH D008527, MONDO:0007959, OMIM 155255, HP:0002885.
Gorlin syndrome. Also called: Nevoid Basal Cell Carcinoma Syndrome; Basal cell nevus syndrome. Identifiers: Orphanet 377, MedGen C0004779, MONDO:0007187.

Allele frequency attached by ClinVar (database versions not stated): gnomAD exomes below 0.00001; TOPMed 0.00001; gnomAD 0.00002.
gnomAD v4.1: 4 of 1,614,052 alleles (0.00025%); highest among the groups gnomAD compares: Admixed American, 0.0067%; no homozygotes.

Submissions (2):

Labcorp Genetics (formerly Invitae), Labcorp
Classification: Uncertain significance for Gorlin syndrome; Medulloblastoma. Last evaluated: 2025-08-04. Review status: criteria provided, single submitter. Criteria: Invitae Variant Classification Sherloc (09022015). Collection method: clinical testing. Allele origin: germline.
Comment: This sequence change replaces methionine, which is neutral and non-polar, with isoleucine, which is neutral and non-polar, at codon 238 of the SUFU protein (p.Met238Ile). This variant is present in population databases (no rsID available, gnomAD 0.003%). This variant has not been reported in the literature in individuals affected with SUFU-related conditions. ClinVar contains an entry for this variant (Variation ID: 1757383). Invitae Evidence Modeling of protein sequence and biophysical properties (such as structural, functional, and spatial information, amino acid conservation, physicochemical variation, residue mobility, and thermodynamic stability) indicates that this missense variant is not expected to disrupt SUFU protein function with a negative predictive value of 80%. In summary, the available evidence is currently insufficient to determine the role of this variant in disease. Therefore, it has been classified as a Variant of Uncertain Significance.

Ambry Genetics
Classification: Uncertain significance for Hereditary cancer-predisposing syndrome. Last evaluated: 2024-10-14. Review status: criteria provided, single submitter. Criteria: Ambry Variant Classification Scheme 2023. Collection method: clinical testing. Allele origin: germline.
Comment: The p.M238I variant (also known as c.714G>A), located in coding exon 6 of the SUFU gene, results from a G to A substitution at nucleotide position 714. The methionine at codon 238 is replaced by isoleucine, an amino acid with highly similar properties. This amino acid position is conserved. In addition, this alteration is predicted to be deleterious by in silico analysis. Since supporting evidence is limited at this time, the clinical significance of this alteration remains unclear.